The following is an entry in ClinVar:

NM_019030.4(DHX29):c.875A>T (p.Glu292Val)

Genes: CCNO-DT (CCNO divergent transcript; plus strand), DHX29 (DExH-box helicase 29; minus strand). Cytogenetic location: 5q11.2.
Variant type: single nucleotide variant.
Coding change: c.875A>T on transcript NM_019030.4 (MANE Select); coding-DNA position 875, A replaced by T.
Protein change: p.Glu292Val; replaces glutamic acid 292 with valine.
Molecular consequence: missense variant. On other transcripts: 5 prime UTR variant (1), non-coding transcript variant (3).
Genome position (GRCh38, 1-based): chr5:55,290,250, T>A on the plus strand (A>T on the coding strand, the complement: DHX29 is on the minus strand). VCF-style: chr5-55290250-T-A. GRCh37 (hg19) VCF-style: chr5-54586078-T-A.
Other names: c.875A>T, p.Glu292Val (NM_001345964.2); c.-1121A>T (NM_001345965.2); short protein forms E292V.
Identifiers: ClinVar variation 161726 (VCV000161726.2), dbSNP rs193920824, ClinGen allele CA174673.

ClinVar aggregate classification (germline): Uncertain significance (0 of 4 stars; one submission).

Conditions:
Prostate cancer. Also called: Malignant tumor of prostate. Identifiers: Orphanet 1331, MedGen C0376358, MONDO:0008315, HP:0012125.

Submission:

Science for Life laboratory,  Karolinska Institutet
Classification: Uncertain significance for Malignant tumor of prostate. Review status: no assertion criteria provided. Collection method: not provided. Allele origin: somatic.
Comment: TumorID:SWE-13
ClinVar note: Converted during submission from Unknown to Uncertain significance.